The following is an entry in ClinVar:

NM_001042432.2(CLN3):c.7G>C (p.Gly3Arg)

Gene: CLN3 (CLN3 lysosomal/endosomal transmembrane protein, battenin; minus strand). Cytogenetic location: 16p12.1.
Variant type: single nucleotide variant.
Coding change: c.7G>C on transcript NM_001042432.2 (MANE Select); coding-DNA position 7, G replaced by C.
Protein change: p.Gly3Arg; replaces glycine 3 with arginine.
Molecular consequence: missense variant. On other transcripts: 5 prime UTR variant (3).
Genome position (GRCh38, 1-based): chr16:28,491,753, C>G on the plus strand (G>C on the coding strand, the complement: CLN3 is on the minus strand). VCF-style: chr16-28491753-C-G. GRCh37 (hg19) VCF-style: chr16-28503074-C-G.
Other names: c.-77G>C (NM_001286109.2, NM_001286110.2); c.7G>C, p.Gly3Arg (NM_000086.2, NM_001286104.2); c.-135G>C (NM_001286105.2); short protein forms G3R.
Identifiers: ClinVar variation 1490056 (VCV001490056.6), dbSNP rs1398814860, ClinGen allele CA395347578.

ClinVar aggregate classification (germline): Uncertain significance (1 of 4 stars; one submission).

Conditions:
Neuronal ceroid lipofuscinosis. Also called: Neuronal Ceroid Lipofuscinoses. Identifiers: Orphanet 216, Orphanet 79263, MedGen C0027877, MONDO:0016295. Disease mechanism: loss of function.

Allele frequency attached by ClinVar (database versions not stated): gnomAD exomes below 0.00001; gnomAD 0.00001; TOPMed 0.00001.
gnomAD v4.1: 2 of 1,613,870 alleles (0.00012%); highest among the groups gnomAD compares: African/African-American, 0.0027%; no homozygotes.

Submission:

Labcorp Genetics (formerly Invitae), Labcorp
Classification: Uncertain significance for Neuronal ceroid lipofuscinosis. Last evaluated: 2021-10-14. Review status: criteria provided, single submitter. Criteria: Invitae Variant Classification Sherloc (09022015). Collection method: clinical testing. Allele origin: germline.
Comment: In summary, the available evidence is currently insufficient to determine the role of this variant in disease. Therefore, it has been classified as a Variant of Uncertain Significance. Algorithms developed to predict the effect of missense changes on protein structure and function (SIFT, PolyPhen-2, Align-GVGD) all suggest that this variant is likely to be tolerated, but these predictions have not been confirmed by published functional studies and their clinical significance is uncertain. This variant has not been reported in the literature in individuals with CLN3-related conditions. This variant is not present in population databases (ExAC no frequency). This sequence change replaces glycine with arginine at codon 3 of the CLN3 protein (p.Gly3Arg). The glycine residue is weakly conserved and there is a moderate physicochemical difference between glycine and arginine.